The following is an entry in ClinVar:

ClinVar aggregate classification (germline): Likely pathogenic (1 of 4 stars; one submission).

Conditions:
Noonan syndrome 2 (NS2). Identifiers: Orphanet 648, MedGen C1854469, MONDO:0011531, OMIM 605275.

Submission:

Juno Genomics, Hangzhou Juno Genomics, Inc
Classification: Likely pathogenic for Noonan syndrome 2. Review status: criteria provided, single submitter. Criteria: ACMG Guidelines, 2015. Collection method: clinical testing. Allele origin: germline.
Comment: Null variant in a gene where loss of function (LOF) is a known mechanism of disease.;Absent from controls (or at extremely low frequency if recessive) in Genome Aggregation Database.

NM_006767.4(LZTR1):c.1254del (p.Arg418fs)

Gene: LZTR1 (leucine zipper like post translational regulator 1; plus strand). Cytogenetic location: 22q11.21.
Variant type: Deletion.
Coding change: c.1254del on transcript NM_006767.4 (MANE Select); coding-DNA position 1254, one base deleted (G; older notation c.1254delG).
Protein change: p.Arg418fs; shifts the reading frame from arginine 418.
Molecular consequence: frameshift variant.
Genome position (GRCh38, 1-based): chr22:20,992,898, G deleted; the last of 2 consecutive G bases (chr22:20,992,897-20,992,898); deleting either gives the same sequence. VCF-style (leftmost placement, unchanged base first): chr22-20992896-AG-A. GRCh37 (hg19) VCF-style: chr22-21347185-AG-A.
Other names: short protein forms R418fs.
Identifiers: ClinVar variation 5006456 (VCV005006456.2).
Genomic context (GRCh38, chr22:20,992,896, plus strand): 5'-GACGCCATGTACATCTTCGGGGGCACGGTGGACAACAACATCCGCAGCGGGGAGATGTAC[AG>A]GTTCCAGGTGTGGGGCCTGTGGGCCTGTAGAGCCGGCTGGGTGGACGGATCCCCCGTGAT-3'